The following is an entry in ClinVar:

NM_024312.5(GNPTAB):c.378dup (p.Glu127fs)

Gene: GNPTAB (N-acetylglucosamine-1-phosphate transferase subunits alpha and beta; minus strand). Cytogenetic location: 12q23.2.
Variant type: Duplication.
Coding change: c.378dup on transcript NM_024312.5 (MANE Select); coding-DNA position 378, one base duplicated (A; older notation c.378dupA).
Protein change: p.Glu127fs; shifts the reading frame from glutamic acid 127.
Molecular consequence: frameshift variant.
Genome position (GRCh38, 1-based): chr12:101,786,205, T duplicated on the plus strand (A on the coding strand, the reverse complement: GNPTAB is on the minus strand). VCF-style (leftmost placement, unchanged base first): chr12-101786204-C-CT. GRCh37 (hg19) VCF-style: chr12-102179982-C-CT.
Other names: short protein forms E127fs.
Identifiers: ClinVar variation 397557 (VCV000397557.3), dbSNP rs1555271865, ClinGen allele CA16609434.

ClinVar aggregate classification (germline): Likely pathogenic (1 of 4 stars; one submission).

Conditions:
Mucolipidosis type II. Also called: ML II ALPHA/BETA; Mucolipidosis 2; ML 2; Inclusion cell disease; Leroy Disease; N-acetylglucosamine 1phosphotransferase deficiency. Identifiers: Orphanet 576, MedGen C2673377, MONDO:0009650, OMIM 252500.
Pseudo-Hurler polydystrophy. Also called: ML III; ML III ALPHA/BETA; Mucolipidosis III Alpha/Beta; Type III Mucolipidosis; ML IIIA; MUCOLIPIDOSIS IIIA. Identifiers: Orphanet 423461, Orphanet 577, MedGen C0033788, MONDO:0018931, OMIM 252600.

Allele frequency attached by ClinVar (database versions not stated): gnomAD exomes below 0.00001.

Submission:

Diagnostics Division, CENTRE FOR DNA FINGERPRINTING AND DIAGNOSTICS
Classification: Likely pathogenic for Mucolipidosis type II; Pseudo-Hurler polydystrophy. Last evaluated: 2016-01-01. Review status: criteria provided, single submitter. Criteria: ACMG Guidelines, 2015. Collection method: research. Allele origin: unknown. Affected: yes. Observed: 1 compound heterozygote.
Comment: Duplication variant